The following is an entry in ClinVar:

ClinVar aggregate classification (germline): Uncertain significance. Review status: criteria provided, multiple submitters, no conflicts (2 of 4 stars). 2 submissions from 2 submitters: Uncertain significance (2). Last evaluated 2025-07-19.

Conditions:
Ataxia-telangiectasia-like disorder (ATLD). Identifiers: MedGen C1858391, MONDO:0011457.
Hereditary cancer-predisposing syndrome. Also called: Neoplastic Syndromes, Hereditary; Tumor predisposition; Hereditary Cancer Syndrome; Hereditary neoplastic syndrome. Identifiers: Orphanet 140162, MedGen C0027672, MeSH D009386, MONDO:0015356.

Allele frequency attached by ClinVar (database versions not stated): gnomAD exomes below 0.00001.
gnomAD v4.1: 3 of 1,614,070 alleles (0.00019%); highest among the groups gnomAD compares: Non-Finnish European, 0.00025%; no homozygotes.

Submissions (2):

Ambry Genetics
Classification: Uncertain significance for Hereditary cancer-predisposing syndrome. Last evaluated: 2025-07-19. Review status: criteria provided, single submitter. Criteria: Ambry Variant Classification Scheme 2023. Collection method: clinical testing. Allele origin: germline.
Comment: The p.Y476H variant (also known as c.1426T>C), located in coding exon 12 of the MRE11A gene, results from a T to C substitution at nucleotide position 1426. The tyrosine at codon 476 is replaced by histidine, an amino acid with similar properties. This amino acid position is not well conserved in available vertebrate species. In addition, the in silico prediction for this alteration is inconclusive. Since supporting evidence is limited at this time, the clinical significance of this alteration remains unclear.

Labcorp Genetics (formerly Invitae), Labcorp
Classification: Uncertain significance for Ataxia-telangiectasia-like disorder. Last evaluated: 2022-12-20. Review status: criteria provided, single submitter. Criteria: Invitae Variant Classification Sherloc (09022015). Collection method: clinical testing. Allele origin: germline.
Comment: In summary, the available evidence is currently insufficient to determine the role of this variant in disease. Therefore, it has been classified as a Variant of Uncertain Significance. Algorithms developed to predict the effect of missense changes on protein structure and function (SIFT, PolyPhen-2, Align-GVGD) all suggest that this variant is likely to be tolerated. ClinVar contains an entry for this variant (Variation ID: 483620). This variant has not been reported in the literature in individuals affected with MRE11-related conditions. This variant is not present in population databases (gnomAD no frequency). This sequence change replaces tyrosine, which is neutral and polar, with histidine, which is basic and polar, at codon 476 of the MRE11 protein (p.Tyr476His).

NM_005591.4(MRE11):c.1426T>C (p.Tyr476His)

Gene: MRE11 (MRE11 double strand break repair nuclease; minus strand). Cytogenetic location: 11q21.
Variant type: single nucleotide variant.
Coding change: c.1426T>C on transcript NM_005591.4 (MANE Select); coding-DNA position 1426, T replaced by C.
Protein change: p.Tyr476His; replaces tyrosine 476 with histidine.
Molecular consequence: missense variant.
Genome position (GRCh38, 1-based): chr11:94,459,482, A>G on the plus strand (T>C on the coding strand, the complement: MRE11 is on the minus strand). VCF-style: chr11-94459482-A-G. GRCh37 (hg19) VCF-style: chr11-94192648-A-G.
Other names: c.1426T>C, p.Tyr476His (NM_001330347.2, NM_005590.4); short protein forms Y476H.
Identifiers: ClinVar variation 483620 (VCV000483620.10), dbSNP rs1555009322, ClinGen allele CA382371839.